The following is an entry in ClinVar:

ClinVar aggregate classification (germline): Uncertain significance (1 of 4 stars; one submission).

Allele frequency attached by ClinVar (database versions not stated): gnomAD exomes 0.00001; TOPMed 0.00001; ExAC 0.00002; gnomAD 0.00002; ESP Exome Variant Server 0.00008.
gnomAD v4.1: 22 of 1,613,822 alleles (0.0014%); highest among the groups gnomAD compares: Admixed American, 0.0033%; no homozygotes.

Submission:

CeGaT Center for Human Genetics Tuebingen
Classification: Uncertain significance. Last evaluated: 2022-11-01. Review status: criteria provided, single submitter. Criteria: CeGaT Center For Human Genetics Tuebingen Variant Classification Criteria Version 2. Collection method: clinical testing. Allele origin: germline. Affected: yes. Observed: 1 variant allele.
Comment: SUPT16H: PP2

NM_007192.4(SUPT16H):c.56G>C (p.Ser19Thr)

Gene: SUPT16H (SPT16 homolog, facilitates chromatin remodeling subunit; minus strand). Cytogenetic location: 14q11.2.
Variant type: single nucleotide variant.
Coding change: c.56G>C on transcript NM_007192.4 (MANE Select); coding-DNA position 56, G replaced by C.
Protein change: p.Ser19Thr; replaces serine 19 with threonine.
Molecular consequence: missense variant.
Genome position (GRCh38, 1-based): chr14:21,383,872, C>G on the plus strand (G>C on the coding strand, the complement: SUPT16H is on the minus strand). VCF-style: chr14-21383872-C-G. GRCh37 (hg19) VCF-style: chr14-21852031-C-G.
Other names: short protein forms S19T.
Identifiers: ClinVar variation 2498589 (VCV002498589.28), dbSNP rs148988336, ClinGen allele CA7090491.